The following is an entry in ClinVar:

ClinVar aggregate classification (germline): Uncertain significance. Review status: criteria provided, multiple submitters, no conflicts (2 of 4 stars). 3 submissions from 3 submitters: Uncertain significance (3). Last evaluated 2025-09-24.

Conditions:
Hereditary cancer-predisposing syndrome. Also called: Hereditary neoplastic syndrome; Tumor predisposition; Neoplastic Syndromes, Hereditary; Hereditary Cancer Syndrome. Identifiers: Orphanet 140162, MedGen C0027672, MeSH D009386, MONDO:0015356.
Hereditary nonpolyposis colorectal neoplasms. Identifiers: MedGen C0009405, MeSH D003123.

Submissions (3):

Ambry Genetics
Classification: Uncertain significance for Hereditary cancer-predisposing syndrome. Last evaluated: 2025-09-24. Review status: criteria provided, single submitter. Criteria: Ambry Variant Classification Scheme 2023. Collection method: clinical testing. Allele origin: germline.
Comment: The p.F596S variant (also known as c.1787T>C), located in coding exon 4 of the MSH6 gene, results from a T to C substitution at nucleotide position 1787. The phenylalanine at codon 596 is replaced by serine, an amino acid with highly dissimilar properties. This amino acid position is highly conserved in available vertebrate species. In addition, this alteration is predicted to be deleterious by in silico analysis. Based on the available evidence, the clinical significance of this variant remains unclear.

Labcorp Genetics (formerly Invitae), Labcorp
Classification: Uncertain significance for Hereditary nonpolyposis colorectal neoplasms. Last evaluated: 2024-08-31. Review status: criteria provided, single submitter. Criteria: Invitae Variant Classification Sherloc (09022015). Collection method: clinical testing. Allele origin: germline.
Comment: This sequence change replaces phenylalanine, which is neutral and non-polar, with serine, which is neutral and polar, at codon 596 of the MSH6 protein (p.Phe596Ser). This variant is not present in population databases (gnomAD no frequency). This variant has not been reported in the literature in individuals affected with MSH6-related conditions. ClinVar contains an entry for this variant (Variation ID: 419291). Invitae Evidence Modeling of protein sequence and biophysical properties (such as structural, functional, and spatial information, amino acid conservation, physicochemical variation, residue mobility, and thermodynamic stability) indicates that this missense variant is not expected to disrupt MSH6 protein function with a negative predictive value of 95%. In summary, the available evidence is currently insufficient to determine the role of this variant in disease. Therefore, it has been classified as a Variant of Uncertain Significance.

GeneDx
Classification: Uncertain significance. Last evaluated: 2015-06-25. Review status: criteria provided, single submitter. Criteria: GeneDx Variant Classification (06012015). Collection method: clinical testing. Allele origin: germline. Affected: yes.
Comment: This variant is denoted MSH6 c.1787T>C at the cDNA level, p.Phe596Ser (F596S) at the protein level, and results in the change of a Phenylalanine to a Serine (TTT>TCT). This variant has not, to our knowledge, been published in the literature as pathogenic or benign. MSH6 Phe596Ser was not observed in approximately 6,500 individuals of European and African American ancestry in the NHLBI Exome Sequencing Project, indicating it is not a common benign variant in these populations. Since Phenylalanine and Serine differ in polarity, charge, size or other properties, this is considered a non-conservative amino acid substitution. MSH6 Phe596Ser occurs at a position that is conserved across species and is located in domain II of the MutS domain (Terui 2013). In silico analyses are inconsistent regarding the effect this variant may have on protein structure and function. Based on currently available information, it is unclear whether MSH6 Phe596Ser is pathogenic or benign. We consider it to be a variant of uncertain significance.

NM_000179.3(MSH6):c.1787T>C (p.Phe596Ser)

Gene: MSH6 (mutS homolog 6; plus strand). Cytogenetic location: 2p16.3.
Variant type: single nucleotide variant.
Coding change: c.1787T>C on transcript NM_000179.3 (MANE Select); coding-DNA position 1787, T replaced by C.
Protein change: p.Phe596Ser; replaces phenylalanine 596 with serine.
Molecular consequence: missense variant.
Genome position (GRCh38, 1-based): chr2:47,799,770, T>C. VCF-style: chr2-47799770-T-C. GRCh37 (hg19) VCF-style: chr2-48026909-T-C.
Other names: c.1397T>C, p.Phe466Ser (NM_001281492.2); c.881T>C, p.Phe294Ser (NM_001281493.2, NM_001281494.2); short protein forms F596S, F466S, F294S.
Identifiers: ClinVar variation 419291 (VCV000419291.15), dbSNP rs1064793774, ClinGen allele CA16617659.